The following is an entry in ClinVar:

NM_004273.5(CHST3):c.34C>T (p.Arg12Trp)

Gene: CHST3 (carbohydrate sulfotransferase 3; plus strand). Cytogenetic location: 10q22.1.
Variant type: single nucleotide variant.
Coding change: c.34C>T on transcript NM_004273.5 (MANE Select); coding-DNA position 34, C replaced by T.
Protein change: p.Arg12Trp; replaces arginine 12 with tryptophan.
Molecular consequence: missense variant.
Genome position (GRCh38, 1-based): chr10:72,005,876, C>T. VCF-style: chr10-72005876-C-T. GRCh37 (hg19) VCF-style: chr10-73765634-C-T.
Other names: short protein forms R12W.
Identifiers: ClinVar variation 2154433 (VCV002154433.2), dbSNP rs140377563, ClinGen allele CA5547987.

ClinVar aggregate classification (germline): Uncertain significance (1 of 4 stars; one submission).

Conditions:
Spondyloepiphyseal dysplasia with congenital joint dislocations (SEDCJD). Also called: Chondrodysplasia with Congenital Joint Dislocations, CHST3-Related. Identifiers: Orphanet 263463, MedGen C1837657, MONDO:0007738, OMIM 143095.

Allele frequency attached by ClinVar (database versions not stated): ESP Exome Variant Server 0.00008; TOPMed 0.00009; 1000 Genomes Project 30x 0.00031; 1000 Genomes Project 0.00040.
gnomAD v4.1: 58 of 1,614,238 alleles (0.0036%); highest among the groups gnomAD compares: African/African-American, 0.023%; 1 homozygote.

Submission:

Labcorp Genetics (formerly Invitae), Labcorp
Classification: Uncertain significance for Spondyloepiphyseal dysplasia with congenital joint dislocations. Last evaluated: 2026-01-14. Review status: criteria provided, single submitter. Criteria: Invitae Variant Classification Sherloc (09022015). Collection method: clinical testing. Allele origin: germline.
Comment: This sequence change replaces arginine, which is basic and polar, with tryptophan, which is neutral and slightly polar, at codon 12 of the CHST3 protein (p.Arg12Trp). This variant is present in population databases (rs140377563, gnomAD 0.03%). This variant has not been reported in the literature in individuals affected with CHST3-related conditions. ClinVar contains an entry for this variant (Variation ID: 2154433). An algorithm developed to predict the effect of missense changes on protein structure and function outputs the following: PolyPhen-2: "Benign". The tryptophan amino acid residue is found in multiple mammalian species, which suggests that this missense change does not adversely affect protein function. In summary, the available evidence is currently insufficient to determine the role of this variant in disease. Therefore, it has been classified as a Variant of Uncertain Significance.